The following is an entry in ClinVar:

ClinVar aggregate classification (germline): Benign/Likely benign. Review status: criteria provided, multiple submitters, no conflicts (2 of 4 stars). 3 submissions from 3 submitters: Benign (2); Likely benign (1). Last evaluated 2019-09-14.

Conditions:
Citrullinemia type II. Also called: Citrullinemia Type II (CTLN2). Identifiers: Orphanet 247585, MedGen C1863844, MONDO:0016603.

Allele frequency attached by ClinVar (database versions not stated): gnomAD exomes 0.00183 and 0.00358; ExAC 0.00347; 1000 Genomes Project 0.01418; 1000 Genomes Project 30x 0.01468; gnomAD 0.01558 and 0.01662; TOPMed 0.01644.
gnomAD v4.1: 3,552 of 771,954 alleles (0.46%); highest among the groups gnomAD compares: African/African-American, 5.3%; 87 homozygotes.

Submissions (3):

GeneDx
Classification: Benign. Last evaluated: 2019-09-14. Review status: criteria provided, single submitter. Criteria: GeneDx Variant Classification Process June 2021. Collection method: clinical testing. Allele origin: germline. Affected: yes.

Illumina Laboratory Services, Illumina
Classification: Benign for Citrullinemia, type II, adult-onset. Last evaluated: 2018-01-12. Review status: criteria provided, single submitter. Criteria: ICSL Variant Classification Criteria 13 December 2019. Collection method: clinical testing. Allele origin: germline.
Comment: This variant was observed in the ICSL laboratory as part of a predisposition screen in an ostensibly healthy population. It had not been previously curated by ICSL or reported in the Human Gene Mutation Database (HGMD: prior to June 1st, 2018), and was therefore a candidate for classification through an automated scoring system. Utilizing variant allele frequency, disease prevalence and penetrance estimates, and inheritance mode, an automated score was calculated to assess if this variant is too frequent to cause the disease. Based on the score and internal cut-off values, a variant classified as benign is not then subjected to further curation. The score for this variant resulted in a classification of benign for this disease.

Breakthrough Genomics
Classification: Likely benign. Review status: criteria provided, single submitter. Criteria: ACMG Guidelines, 2015. Collection method: not provided. Allele origin: germline. Inheritance: Autosomal recessive inheritance. Affected: yes.

NM_014251.3(SLC25A13):c.*175A>G

Gene: SLC25A13 (solute carrier family 25 member 13; minus strand). Cytogenetic location: 7q21.3.
Variant type: single nucleotide variant.
Coding change: c.*175A>G on transcript NM_014251.3 (MANE Select); 175 bases downstream of the stop codon, A replaced by G.
Molecular consequence: 3 prime UTR variant. On other transcripts: non-coding transcript variant (1).
Genome position (GRCh38, 1-based): chr7:96,121,016, T>C on the plus strand (A>G on the coding strand, the complement: SLC25A13 is on the minus strand). VCF-style: chr7-96121016-T-C. GRCh37 (hg19) VCF-style: chr7-95750328-T-C.
Other names: c.*175A>G (NM_001160210.2).
Identifiers: ClinVar variation 361008 (VCV000361008.9), dbSNP rs144877897, ClinGen allele CA4352695.